The following is an entry in ClinVar:

ClinVar aggregate classification (germline): Uncertain significance (1 of 4 stars; one submission).

Conditions:
MIR17HG-related disorder. Also called: MIR17HG-related condition.

Submission:

PreventionGenetics, part of Exact Sciences
Classification: Uncertain significance for MIR17HG-related condition. Last evaluated: 2025-06-13. Review status: criteria provided, single submitter. Criteria: ACMG Guidelines, 2015. Collection method: clinical testing. Allele origin: germline.
Comment: The MIR17HG n.3714A>C is a noncoding alteration. To our knowledge, this variant has not been reported in the literature or in a large population database (gnomAD), indicating this variant is rare. At this time, the clinical significance of this variant is uncertain due to the absence of conclusive functional and genetic evidence.

NR_197388.1(MIR17HG):n.3462A>C

Gene: MIR17HG (miR-17-92a-1 cluster host gene; plus strand). Cytogenetic location: 13q31.3.
Variant type: single nucleotide variant.
Molecular consequence: non-coding transcript variant (on NR_197388.1).
Genome position: GRCh38 VCF-style: chr13-91353271-A-C. GRCh37 (hg19) VCF-style: chr13-92005525-A-C.
Identifiers: ClinVar variation 5001123 (VCV005001123.1).